The following is an entry in ClinVar:

ClinVar aggregate classification (germline): Likely benign (1 of 4 stars; one submission).

Conditions:
ABCA4-related disorder. Also called: ABCA4-related condition; ABCA4-related disorders. Identifiers: MedGen CN239167.

gnomAD v4.1: 12 of 1,520,916 alleles (0.00079%); highest among the groups gnomAD compares: South Asian, 0.0011%; no homozygotes.

Submission:

PreventionGenetics, part of Exact Sciences
Classification: Likely benign for ABCA4-related condition. Last evaluated: 2025-05-09. Review status: criteria provided, single submitter. Criteria: ACMG Guidelines, 2015. Collection method: clinical testing. Allele origin: germline.
Comment: This variant is classified as likely benign based on ACMG/AMP sequence variant interpretation guidelines (Richards et al. 2015 PMID: 25741868, with internal and published modifications).

NM_000350.3(ABCA4):c.4352+57G>A

Gene: ABCA4 (ATP binding cassette subfamily A member 4; minus strand). Cytogenetic location: 1p22.1.
Variant type: single nucleotide variant.
Coding change: c.4352+57G>A on transcript NM_000350.3 (MANE Select); 57 bases into the intron after coding-DNA position 4352, G replaced by A.
Molecular consequence: intron variant.
Genome position (GRCh38, 1-based): chr1:94,030,371, C>T on the plus strand (G>A on the coding strand, the complement: ABCA4 is on the minus strand). VCF-style: chr1-94030371-C-T. GRCh37 (hg19) VCF-style: chr1-94495927-C-T.
Other names: c.4130+57G>A (NM_001425324.1).
Identifiers: ClinVar variation 4986351 (VCV004986351.1).